The following is an entry in ClinVar:

ClinVar aggregate classification (germline): Pathogenic/Likely pathogenic. Review status: criteria provided, multiple submitters, no conflicts (2 of 4 stars). 2 submissions from 2 submitters: Pathogenic (1); Likely pathogenic (1). Last evaluated 2024-02-13.

Conditions:
Severe combined immunodeficiency due to DCLRE1C deficiency (RS-SCID). Also called: SCID, AUTOSOMAL RECESSIVE, T CELL-NEGATIVE, B CELL-NEGATIVE, NK CELL-POSITIVE, WITH SENSITIVITY TO IONIZING RADIATION. Identifiers: Orphanet 275, MedGen C1865371, MONDO:0011225, OMIM 602450.
Histiocytic medullary reticulosis. Also called: SEVERE COMBINED IMMUNODEFICIENCY WITH HYPEREOSINOPHILIA; Omenn syndrome. Identifiers: Orphanet 39041, MedGen C2700553, MONDO:0011338, OMIM 603554.

Submissions (2):

Baylor Genetics
Classification: Likely pathogenic for Histiocytic medullary reticulosis. Last evaluated: 2024-02-13. Review status: criteria provided, single submitter. Criteria: ACMG Guidelines, 2015. Collection method: clinical testing. Allele origin: unknown.

Labcorp Genetics (formerly Invitae), Labcorp
Classification: Pathogenic for Athabaskan severe combined immunodeficiency. Last evaluated: 2024-01-05. Review status: criteria provided, single submitter. Criteria: Invitae Variant Classification Sherloc (09022015). Collection method: clinical testing. Allele origin: germline.
Comment: This sequence change creates a premature translational stop signal (p.Lys368Serfs*8) in the DCLRE1C gene. While this is not anticipated to result in nonsense mediated decay, it is expected to disrupt the last 325 amino acid(s) of the DCLRE1C protein. This variant is not present in population databases (gnomAD no frequency). This variant has not been reported in the literature in individuals affected with DCLRE1C-related conditions. This variant disrupts a region of the DCLRE1C protein in which other variant(s) (p.Thr557Asnfs*21) have been determined to be pathogenic (PMID: 26476407). This suggests that this is a clinically significant region of the protein, and that variants that disrupt it are likely to be disease-causing. For these reasons, this variant has been classified as Pathogenic.

Literature cited by the submitters: PubMed 26476407 (cited by Labcorp Genetics (formerly Invitae), Labcorp).

NM_001033855.3(DCLRE1C):c.1103del (p.Lys368fs)

Gene: DCLRE1C (DNA cross-link repair 1C; minus strand). Cytogenetic location: 10p13.
Variant type: Deletion.
Coding change: c.1103del on transcript NM_001033855.3 (MANE Select); coding-DNA position 1103, one base deleted (A; older notation c.1103delA).
Protein change: p.Lys368fs; shifts the reading frame from lysine 368.
Molecular consequence: frameshift variant. On other transcripts: non-coding transcript variant (4).
Genome position (GRCh38, 1-based): chr10:14,919,791, T deleted on the plus strand (A on the coding strand, the reverse complement: DCLRE1C is on the minus strand); the first of 3 consecutive T bases (chr10:14,919,791-14,919,793); deleting any one gives the same sequence. VCF-style (leftmost placement, unchanged base first): chr10-14919790-CT-C. GRCh37 (hg19) VCF-style: chr10-14961789-CT-C.
Other names: c.743del, p.Lys248fs (NM_001033857.3, NM_001033858.3, NM_001289077.2 and 2 more transcripts); c.758del, p.Lys253fs (NM_001289076.2, NM_001289078.2, NM_001350966.2 and 1 more transcripts); c.1103del, p.Lys368fs (NM_001350965.2); short protein forms K248fs, K253fs, K368fs.
Identifiers: ClinVar variation 2707873 (VCV002707873.4), dbSNP rs2491775008, ClinGen allele CA2697558275.